The following is an entry in ClinVar:

ClinVar aggregate classification (germline): Likely benign (0 of 4 stars; one submission).

Conditions:
CYP1A1-related disorder. Also called: CYP1A1-related condition.

Allele frequency attached by ClinVar (database versions not stated): gnomAD exomes 0.00025; ExAC 0.00042; 1000 Genomes Project 30x 0.00047; gnomAD 0.00069; TOPMed 0.00097.
gnomAD v4.1: 486 of 1,579,480 alleles (0.031%); highest among the groups gnomAD compares: Middle Eastern, 0.86%; 6 homozygotes.

Submission:

PreventionGenetics, part of Exact Sciences
Classification: Likely benign for CYP1A1-related condition. Last evaluated: 2019-07-10. Review status: no assertion criteria provided. Collection method: clinical testing. Allele origin: germline.
Comment: This variant is classified as likely benign based on ACMG/AMP sequence variant interpretation guidelines (Richards et al. 2015 PMID: 25741868, with internal and published modifications).

NM_001319217.2(CYP1A1):c.315C>A (p.Gly105=)

Gene: CYP1A1 (cytochrome P450 family 1 subfamily A member 1; minus strand). Cytogenetic location: 15q24.1.
Variant type: single nucleotide variant.
Coding change: c.315C>A on transcript NM_001319217.2 (MANE Select); coding-DNA position 315, C replaced by A.
Protein change: p.Gly105=; no amino-acid change (glycine 105 retained).
Molecular consequence: synonymous variant.
Genome position (GRCh38, 1-based): chr15:74,722,783, G>T on the plus strand (C>A on the coding strand, the complement: CYP1A1 is on the minus strand). VCF-style: chr15-74722783-G-T. GRCh37 (hg19) VCF-style: chr15-75015124-G-T.
Other names: c.315C>A, p.Gly105= (NM_000499.5, NM_001319216.2).
Identifiers: ClinVar variation 3043562 (VCV003043562.2), dbSNP rs745879982, ClinGen allele CA7659567.